The following is an entry in ClinVar:

ClinVar aggregate classification (germline): Uncertain significance. Review status: criteria provided, multiple submitters, no conflicts (2 of 4 stars). 2 submissions from 2 submitters: Uncertain significance (2). Last evaluated 2026-04-27.

Conditions:
Familial thoracic aortic aneurysm and aortic dissection (TAAD). Also called: Thoracic aortic aneurysms and dissections. Identifiers: Orphanet 91387, MedGen C4707243, MONDO:0019625.
Ehlers-Danlos syndrome, classic type, 1 (EDSCL1). Also called: EHLERS-DANLOS SYNDROME, GRAVIS TYPE; EHLERS-DANLOS SYNDROME, SEVERE CLASSIC TYPE; Ehlers-Danlos syndrome, type 1; Ehlers-Danlos Syndrome, Classic Type, COL5A1-Related; EDS I. Identifiers: MedGen C0268335, MONDO:0019567, OMIM 130000.

Allele frequency attached by ClinVar (database versions not stated): TOPMed 0.00005.

Submissions (2):

Ambry Genetics
Classification: Uncertain significance for Familial thoracic aortic aneurysm and aortic dissection. Last evaluated: 2026-04-27. Review status: criteria provided, single submitter. Criteria: Ambry Variant Classification Scheme 2023. Collection method: clinical testing. Allele origin: germline.
Comment: The p.T902I variant (also known as c.2705C>T), located in coding exon 33 of the COL5A1 gene, results from a C to T substitution at nucleotide position 2705. The threonine at codon 902 is replaced by isoleucine, an amino acid with similar properties. This amino acid position is conserved. In addition, the in silico prediction for this alteration is inconclusive. Based on the available evidence, the clinical significance of this variant remains unclear.

Labcorp Genetics (formerly Invitae), Labcorp
Classification: Uncertain significance for Ehlers-Danlos syndrome, classic type, 1. Last evaluated: 2025-03-24. Review status: criteria provided, single submitter. Criteria: Invitae Variant Classification Sherloc (09022015). Collection method: clinical testing. Allele origin: germline.
Comment: This sequence change replaces threonine, which is neutral and polar, with isoleucine, which is neutral and non-polar, at codon 902 of the COL5A1 protein (p.Thr902Ile). This variant is not present in population databases (gnomAD no frequency). This variant has not been reported in the literature in individuals affected with COL5A1-related conditions. ClinVar contains an entry for this variant (Variation ID: 1383292). Invitae Evidence Modeling of protein sequence and biophysical properties (such as structural, functional, and spatial information, amino acid conservation, physicochemical variation, residue mobility, and thermodynamic stability) indicates that this missense variant is not expected to disrupt COL5A1 protein function with a negative predictive value of 95%. In summary, the available evidence is currently insufficient to determine the role of this variant in disease. Therefore, it has been classified as a Variant of Uncertain Significance.

NM_000093.5(COL5A1):c.2705C>T (p.Thr902Ile)

Gene: COL5A1 (collagen type V alpha 1 chain; plus strand). Cytogenetic location: 9q34.3.
Variant type: single nucleotide variant.
Coding change: c.2705C>T on transcript NM_000093.5 (MANE Select); coding-DNA position 2705, C replaced by T.
Protein change: p.Thr902Ile; replaces threonine 902 with isoleucine.
Molecular consequence: missense variant.
Genome position (GRCh38, 1-based): chr9:134,795,086, C>T. VCF-style: chr9-134795086-C-T. GRCh37 (hg19) VCF-style: chr9-137686932-C-T.
Other names: c.2705C>T, p.Thr902Ile (NM_001278074.1); c.2705C>T (NM_000093.3); short protein forms T902I.
Identifiers: ClinVar variation 1383292 (VCV001383292.7), dbSNP rs1239938844, ClinGen allele CA375456462.